The following is an entry in ClinVar:

NM_002485.5(NBN):c.1913C>G (p.Ser638Cys)

Genes: NBN (nibrin; minus strand), LOC126860438 (MED14-independent group 3 enhancer GRCh37_chr8:90959982-90961181; plus strand). Cytogenetic location: 8q21.3.
Variant type: single nucleotide variant.
Coding change: c.1913C>G on transcript NM_002485.5 (MANE Select); coding-DNA position 1913, C replaced by G.
Protein change: p.Ser638Cys; replaces serine 638 with cysteine.
Molecular consequence: missense variant.
Genome position (GRCh38, 1-based): chr8:89,947,825, G>C on the plus strand (C>G on the coding strand, the complement: NBN is on the minus strand). VCF-style: chr8-89947825-G-C. GRCh37 (hg19) VCF-style: chr8-90960053-G-C.
Other names: c.1667C>G, p.Ser556Cys (NM_001024688.3); short protein forms S556C, S638C.
Identifiers: ClinVar variation 1782532 (VCV001782532.3), dbSNP rs756036331, ClinGen allele CA371677182.
Genomic context (GRCh38, chr8:89,947,825, plus strand): 5'-GATGAGATGACAGTCCCCGTAAGCCAAATCTGTATAAAAATTAATAAAACGTTTCTCACA[G>C]ATATTTCTTTAGCTGACCATAGTGAGTCTTCCTTGAGTTCACGTTTCTTCCCAATTTCAT-3'
Protein context (NP_002476.2, residues 628-648): EDSLWSAKEI[Ser638Cys]NNDKLQDDSE

ClinVar aggregate classification (germline): Uncertain significance (1 of 4 stars; one submission).

Conditions:
Hereditary cancer-predisposing syndrome. Also called: Neoplastic Syndromes, Hereditary; Tumor predisposition; Hereditary Cancer Syndrome; Hereditary neoplastic syndrome. Identifiers: Orphanet 140162, MedGen C0027672, MeSH D009386, MONDO:0015356.

Submission:

Ambry Genetics
Classification: Uncertain significance for Hereditary cancer-predisposing syndrome. Last evaluated: 2024-12-30. Review status: criteria provided, single submitter. Criteria: Ambry Variant Classification Scheme 2023. Collection method: clinical testing. Allele origin: germline.
Comment: The p.S638C variant (also known as c.1913C>G), located in coding exon 12 of the NBN gene, results from a C to G substitution at nucleotide position 1913. The serine at codon 638 is replaced by cysteine, an amino acid with dissimilar properties. This amino acid position is poorly conserved in available vertebrate species. In addition, this alteration is predicted to be tolerated by in silico analysis. Since supporting evidence is limited at this time, the clinical significance of this alteration remains unclear.